The following is an entry in ClinVar:

ClinVar aggregate classification (germline): Uncertain significance (1 of 4 stars; one submission).

Allele frequency attached by ClinVar (database versions not stated): gnomAD exomes below 0.00001; gnomAD 0.00001; TOPMed 0.00001.
gnomAD v4.1: 4 of 1,613,690 alleles (0.00025%); highest among the groups gnomAD compares: African/African-American, 0.0013%; no homozygotes.

Submission:

GeneDx
Classification: Uncertain significance. Last evaluated: 2025-01-17. Review status: criteria provided, single submitter. Criteria: GeneDx Variant Classification Process June 2021. Collection method: clinical testing. Allele origin: germline.
Comment: Not observed at significant frequency in large population cohorts (gnomAD); In silico analysis indicates that this missense variant does not alter protein structure/function; Has not been previously published as pathogenic or benign to our knowledge

NM_003128.3(SPTBN1):c.4630A>G (p.Ile1544Val)

Gene: SPTBN1 (spectrin beta, non-erythrocytic 1; plus strand). Cytogenetic location: 2p16.2.
Variant type: single nucleotide variant.
Coding change: c.4630A>G on transcript NM_003128.3 (MANE Select); coding-DNA position 4630, A replaced by G.
Protein change: p.Ile1544Val; replaces isoleucine 1544 with valine.
Molecular consequence: missense variant.
Genome position (GRCh38, 1-based): chr2:54,646,239, A>G. VCF-style: chr2-54646239-A-G. GRCh37 (hg19) VCF-style: chr2-54873376-A-G.
Other names: c.4591A>G, p.Ile1531Val (NM_178313.3); short protein forms I1531V, I1544V.
Identifiers: ClinVar variation 2579760 (VCV002579760.2), dbSNP rs1679917402, ClinGen allele CA346903108.